The following is an entry in ClinVar:

NM_001458.5(FLNC):c.2272G>C (p.Val758Leu)

Gene: FLNC (filamin C; plus strand). Cytogenetic location: 7q32.1.
Variant type: single nucleotide variant.
Coding change: c.2272G>C on transcript NM_001458.5 (MANE Select); coding-DNA position 2272, G replaced by C.
Protein change: p.Val758Leu; replaces valine 758 with leucine.
Molecular consequence: missense variant.
Genome position (GRCh38, 1-based): chr7:128,842,581, G>C. VCF-style: chr7-128842581-G-C. GRCh37 (hg19) VCF-style: chr7-128482635-G-C.
Other names: c.2272G>C, p.Val758Leu (NM_001127487.2); short protein forms V758L.
Identifiers: ClinVar variation 3752959 (VCV003752959.2).

ClinVar aggregate classification (germline): Uncertain significance (1 of 4 stars; one submission).

Conditions:
Myofibrillar myopathy 5. Also called: Filaminopathy (type); FILAMINOPATHY, AUTOSOMAL DOMINANT. Identifiers: Orphanet 171445, MedGen C1836050, MONDO:0012289, OMIM 609524.
Distal myopathy with posterior leg and anterior hand involvement. Also called: WILLIAMS DISTAL MYOPATHY. Identifiers: Orphanet 63273, MedGen C3279722, MONDO:0013550, OMIM 614065.
Hypertrophic cardiomyopathy 26. Also called: Cardiomyopathy, familial hypertrophic, 26. Identifiers: Orphanet 75249, MedGen C4310749, MONDO:0014883, OMIM 617047.

Submission:

Labcorp Genetics (formerly Invitae), Labcorp
Classification: Uncertain significance for Distal myopathy with posterior leg and anterior hand involvement; Myofibrillar myopathy 5; Hypertrophic cardiomyopathy 26. Last evaluated: 2024-04-03. Review status: criteria provided, single submitter. Criteria: Invitae Variant Classification Sherloc (09022015). Collection method: clinical testing. Allele origin: germline.
Comment: This sequence change replaces valine, which is neutral and non-polar, with leucine, which is neutral and non-polar, at codon 758 of the FLNC protein (p.Val758Leu). This variant is not present in population databases (gnomAD no frequency). This variant has not been reported in the literature in individuals affected with FLNC-related conditions. Advanced modeling of protein sequence and biophysical properties (such as structural, functional, and spatial information, amino acid conservation, physicochemical variation, residue mobility, and thermodynamic stability) has been performed at Invitae for this missense variant, however the output from this modeling did not meet the statistical confidence thresholds required to predict the impact of this variant on FLNC protein function. In summary, the available evidence is currently insufficient to determine the role of this variant in disease. Therefore, it has been classified as a Variant of Uncertain Significance.